The following is an entry in ClinVar:

NM_018196.4(TMLHE):c.1195C>T (p.Gln399Ter)

Genes: TMLHE (trimethyllysine hydroxylase, epsilon; minus strand), TMLHE-AS1 (TMLHE antisense RNA 1; plus strand). Cytogenetic location: Xq28.
Variant type: single nucleotide variant.
Coding change: c.1195C>T on transcript NM_018196.4 (MANE Select); coding-DNA position 1195, C replaced by T.
Protein change: p.Gln399Ter; replaces glutamine 399 with a stop codon.
Molecular consequence: nonsense.
Genome position (GRCh38, 1-based): chrX:155,491,606, G>A on the plus strand (C>T on the coding strand, the complement: TMLHE is on the minus strand). VCF-style: chrX-155491606-G-A. GRCh37 (hg19) VCF-style: chrX-154721267-G-A.
Other names: short protein forms Q399*.
Identifiers: ClinVar variation 1317993 (VCV001317993.2), dbSNP rs2124301223, ClinGen allele CA414937830.

ClinVar aggregate classification (germline): Uncertain significance (1 of 4 stars; one submission).

Submission:

GeneDx
Classification: Uncertain significance. Last evaluated: 2020-10-22. Review status: criteria provided, single submitter. Criteria: GeneDx Variant Classification Process June 2021. Collection method: clinical testing. Allele origin: germline. Affected: yes.
Comment: Not observed in large population cohorts (Lek et al., 2016); Nonsense variant predicted to result in protein truncation as the last 23 amino acids are lost, although loss-of-function variants have not been reported downstream of this position in the protein; Has not been previously published as pathogenic or benign to our knowledge